The following is an entry in ClinVar:

NM_006796.3(AFG3L2):c.2175+18G>A

Gene: AFG3L2 (AFG3 like matrix AAA peptidase subunit 2; minus strand). Cytogenetic location: 18p11.21.
Variant type: single nucleotide variant.
Coding change: c.2175+18G>A on transcript NM_006796.3 (MANE Select); 18 bases into the intron after coding-DNA position 2175, G replaced by A.
Molecular consequence: intron variant.
Genome position (GRCh38, 1-based): chr18:12,337,323, C>T on the plus strand (G>A on the coding strand, the complement: AFG3L2 is on the minus strand). VCF-style: chr18-12337323-C-T. GRCh37 (hg19) VCF-style: chr18-12337322-C-T.
Identifiers: ClinVar variation 136315 (VCV000136315.12), dbSNP rs117096851, ClinGen allele CA289323.
Genomic context (GRCh38, chr18:12,337,323, plus strand): 5'-CAACCAAAACAGTCTATCTATCACTTCAATCTTTTTTTTGCAAAACTGTAAAGAATTATT[C>T]CCACAACTGGCACCTACCTTCTCCACGTCAGCTTTCTTTTCTGTGAGAAGAGCTACTGTT-3'

ClinVar aggregate classification (germline): Benign. Review status: criteria provided, multiple submitters, no conflicts (2 of 4 stars). 5 submissions from 5 submitters: Benign (3). 2 of the submissions do not count toward it. Last evaluated 2026-01-27.

Allele frequency attached by ClinVar (database versions not stated): 1000 Genomes Project 0.00539; 1000 Genomes Project 30x 0.00562; gnomAD 0.01068 and 0.01094; ExAC 0.01094; gnomAD exomes 0.01113 and 0.01613; TOPMed 0.01126; ESP Exome Variant Server 0.01207.
gnomAD v4.1: 25,094 of 1,611,486 alleles (1.6%); highest among the groups gnomAD compares: Non-Finnish European, 1.9%; 278 homozygotes.

Submissions (5):

Labcorp Genetics (formerly Invitae), Labcorp
Classification: Benign. Last evaluated: 2026-01-27. Review status: criteria provided, single submitter. Criteria: Invitae Variant Classification Sherloc (09022015). Collection method: clinical testing. Allele origin: germline.

GeneDx
Classification: Benign. Last evaluated: 2014-03-31. Review status: criteria provided, single submitter. Criteria: GeneDx Variant Classification (06012015). Collection method: clinical testing. Allele origin: germline. Affected: yes.
Comment: This variant is considered likely benign or benign based on one or more of the following criteria: it is a conservative change, it occurs at a poorly conserved position in the protein, it is predicted to be benign by multiple in silico algorithms, and/or has population frequency not consistent with disease.

Breakthrough Genomics
Classification: Benign. Review status: criteria provided, single submitter. Criteria: ACMG Guidelines, 2015. Collection method: not provided. Allele origin: germline. Inheritance: Autosomal recessive inheritance. Affected: yes.

Clinical Genetics DNA and cytogenetics Diagnostics Lab, Erasmus MC, Erasmus Medical Center
Classification: Benign. Review status: no assertion criteria provided. Collection method: clinical testing. Allele origin: germline. Affected: yes. Study: VKGL Data-share Consensus. Not counted in ClinVar's aggregate classification.

Genome Diagnostics Laboratory, University Medical Center Utrecht
Classification: Benign. Review status: no assertion criteria provided. Collection method: clinical testing. Allele origin: germline. Affected: yes. Study: VKGL Data-share Consensus. Not counted in ClinVar's aggregate classification.